The following is an entry in ClinVar:

NM_001387844.1(PRRC2C):c.5986A>G (p.Asn1996Asp)

Gene: PRRC2C (proline rich coiled-coil 2C; plus strand). Cytogenetic location: 1q24.3.
Variant type: single nucleotide variant.
Coding change: c.5986A>G on transcript NM_001387844.1 (MANE Select); coding-DNA position 5986, A replaced by G.
Protein change: p.Asn1996Asp; replaces asparagine 1996 with aspartic acid.
Molecular consequence: missense variant.
Genome position (GRCh38, 1-based): chr1:171,558,098, A>G. VCF-style: chr1-171558098-A-G. GRCh37 (hg19) VCF-style: chr1-171527237-A-G.
Other names: c.5980A>G, p.Asn1994Asp (NM_015172.4); short protein forms N1994D, N1996D.
Identifiers: ClinVar variation 2639556 (VCV002639556.24), dbSNP rs148813704, ClinGen allele CA1243410.
Genomic context (GRCh38, chr1:171,558,098, plus strand): 5'-TCAGGAAAATCCATCCAGACCCCACAGTCACATGGCACTCTGACAGCTGAATTATGGGAT[A>G]ACAAGGTGGCCCCACCAGCTGTGCTGAATGATATCTCTAAGAAATGTAAGTTGCAAAAGA-3'
Protein context (NP_001374773.1, residues 1986-2006): HGTLTAELWD[Asn1996Asp]KVAPPAVLND

ClinVar aggregate classification (germline): Likely benign (1 of 4 stars; one submission).

Allele frequency attached by ClinVar (database versions not stated): 1000 Genomes Project 0.00040; 1000 Genomes Project 30x 0.00047; TOPMed 0.00222; ExAC 0.00223; ESP Exome Variant Server 0.00231; gnomAD 0.00237; gnomAD exomes 0.00306.
gnomAD v4.1: 4,805 of 1,613,890 alleles (0.3%); highest among the groups gnomAD compares: Non-Finnish European, 0.35%; 12 homozygotes.

Submission:

CeGaT Center for Human Genetics Tuebingen
Classification: Likely benign. Last evaluated: 2022-12-01. Review status: criteria provided, single submitter. Criteria: CeGaT Center For Human Genetics Tuebingen Variant Classification Criteria Version 2. Collection method: clinical testing. Allele origin: germline. Affected: yes. Observed: 1 variant allele.
Comment: PRRC2C: BS2